The following is an entry in ClinVar:

ClinVar aggregate classification (germline): Likely pathogenic (1 of 4 stars; one submission).

Conditions:
Generalized epilepsy with febrile seizures plus, type 2 (GEFSP2). Also called: GEFS+, TYPE 2. Identifiers: Orphanet 36387, MedGen C1858673, MONDO:0011461, OMIM 604403.
Migraine, familial hemiplegic, 3. Identifiers: Orphanet 569, MedGen C1864987, MONDO:0012320, OMIM 609634.
Developmental and epileptic encephalopathy 6B. Also called: Developmental and epileptic encephalopathy 6B, non-Dravet. Identifiers: MedGen C5543353, MONDO:0030268, OMIM 619317.
Severe myoclonic epilepsy in infancy (DRVT). Also called: Dravet syndrome; Epileptic encephalopathy, early infantile, 6 (Dravet syndrome); SEVERE MYOCLONIC EPILEPSY OF INFANCY; DEVELOPMENTAL AND EPILEPTIC ENCEPHALOPATHY 6A; Severe Myoclonic Epilepsy in Infancy (SMEI). Identifiers: Orphanet 33069, MedGen C0751122, MONDO:0100135, OMIM 607208.

Submission:

Institute of Immunology and Genetics Kaiserslautern
Classification: Likely pathogenic for Developmental and epileptic encephalopathy 6B; Severe myoclonic epilepsy in infancy; Generalized epilepsy with febrile seizures plus, type 2; Migraine, familial hemiplegic, 3. Last evaluated: 2026-01-16. Review status: criteria provided, single submitter. Criteria: ACMG Guidelines, 2015. Collection method: clinical testing. Allele origin: maternal. Affected: yes.
Comment: ACMG Criteria: PM1, PM2_P, PM5, PP3; Variant was found in heterozygous state.

NM_001165963.4(SCN1A):c.5050T>C (p.Tyr1684His)

Genes: SCN1A (sodium voltage-gated channel alpha subunit 1; minus strand), LOC102724058 (uncharacterized LOC102724058; plus strand). Cytogenetic location: 2q24.3.
Variant type: single nucleotide variant.
Coding change: c.5050T>C on transcript NM_001165963.4 (MANE Select); coding-DNA position 5050, T replaced by C.
Protein change: p.Tyr1684His; replaces tyrosine 1684 with histidine.
Molecular consequence: missense variant. On other transcripts: non-coding transcript variant (1).
Genome position (GRCh38, 1-based): chr2:165,992,225, A>G on the plus strand (T>C on the coding strand, the complement: SCN1A is on the minus strand). VCF-style: chr2-165992225-A-G. GRCh37 (hg19) VCF-style: chr2-166848735-A-G.
Other names: c.4966T>C, p.Tyr1656His (NM_001165964.3, NM_001353957.2, NM_001353958.2); c.5050T>C, p.Tyr1684His (NM_001202435.3, NM_001353948.2); c.5017T>C, p.Tyr1673His (NM_001353949.2, NM_001353950.2, NM_001353951.2 and 2 more transcripts); c.5014T>C, p.Tyr1672His (NM_001353954.2, NM_001353955.2); c.4963T>C, p.Tyr1655His (NM_001353960.2); c.2608T>C, p.Tyr870His (NM_001353961.2); short protein forms Y1655H, Y1656H, Y1672H, Y1673H, Y1684H, Y870H.
Identifiers: ClinVar variation 4851464 (VCV004851464.1).